The following is an entry in ClinVar:

NM_001486.4(GCKR):c.695G>A (p.Arg232Gln)

Gene: GCKR (glucokinase regulator; plus strand). Cytogenetic location: 2p23.3.
Variant type: single nucleotide variant.
Coding change: c.695G>A on transcript NM_001486.4 (MANE Select); coding-DNA position 695, G replaced by A.
Protein change: p.Arg232Gln; replaces arginine 232 with glutamine.
Molecular consequence: missense variant.
Genome position (GRCh38, 1-based): chr2:27,503,564, G>A. VCF-style: chr2-27503564-G-A. GRCh37 (hg19) VCF-style: chr2-27726431-G-A.
Other names: short protein forms R232Q.
Identifiers: ClinVar variation 2203032 (VCV002203032.4), dbSNP rs766471787, ClinGen allele CA1581681.
Genomic context (GRCh38, chr2:27,503,564, plus strand): 5'-TGGACCTCAGAAATGACCCCATTGAAGACTGGAGTTCAACATTCCGACAAGTAGCAGAGC[G>A]GATGCAGAAAATGCAGGAGAAACAGAAAGCTTTTGTGCTCAATCCTGCCATCGGGGTAGG-3'
Protein context (NP_001477.2, residues 222-242): WSSTFRQVAE[Arg232Gln]MQKMQEKQKA

ClinVar aggregate classification (germline): Uncertain significance (1 of 4 stars; one submission).

Allele frequency attached by ClinVar (database versions not stated): ExAC 0.00001; TOPMed 0.00001.
gnomAD v4.1: 15 of 1,611,684 alleles (0.00093%); highest among the groups gnomAD compares: East Asian, 0.0022%; no homozygotes.

Submission:

Labcorp Genetics (formerly Invitae), Labcorp
Classification: Uncertain significance. Last evaluated: 2025-11-10. Review status: criteria provided, single submitter. Criteria: Invitae Variant Classification Sherloc (09022015). Collection method: clinical testing. Allele origin: germline.
Comment: This sequence change replaces arginine, which is basic and polar, with glutamine, which is neutral and polar, at codon 232 of the GCKR protein (p.Arg232Gln). This variant is present in population databases (rs766471787, gnomAD 0.006%). This missense change has been observed in individual(s) with high HDL cholesterol (PMID: 24891332). ClinVar contains an entry for this variant (Variation ID: 2203032). Invitae Evidence Modeling of protein sequence and biophysical properties (such as structural, functional, and spatial information, amino acid conservation, physicochemical variation, residue mobility, and thermodynamic stability) indicates that this missense variant is not expected to disrupt GCKR protein function with a negative predictive value of 80%. In summary, the available evidence is currently insufficient to determine the role of this variant in disease. Therefore, it has been classified as a Variant of Uncertain Significance.

Literature cited by the submitters: PubMed 24891332.